The following is an entry in ClinVar:

NM_001040142.2(SCN2A):c.1524G>T (p.Lys508Asn)

Gene: SCN2A (sodium voltage-gated channel alpha subunit 2; plus strand). Cytogenetic location: 2q24.3.
Variant type: single nucleotide variant.
Coding change: c.1524G>T on transcript NM_001040142.2 (MANE Select); coding-DNA position 1524, G replaced by T.
Protein change: p.Lys508Asn; replaces lysine 508 with asparagine.
Molecular consequence: missense variant.
Genome position (GRCh38, 1-based): chr2:165,315,611, G>T. VCF-style: chr2-165315611-G-T. GRCh37 (hg19) VCF-style: chr2-166172121-G-T.
Other names: c.1524G>T, p.Lys508Asn (NM_001040143.2, NM_001371246.1, NM_001371247.1 and 1 more transcripts); short protein forms K508N.
Identifiers: ClinVar variation 1490172 (VCV001490172.6), dbSNP rs2105259852, ClinGen allele CA349023331.
Genomic context (GRCh38, chr2:165,315,611, plus strand): 5'-AGTAGCATCTAAGTTGAGCTCCAAAAGTGAAAAAGAGCTGAAAAACAGAAGAAAGAAAAA[G>T]AAACAGAAAGAACAGTCTGGAGAAGAAGAGAAAAATGACAGAGTCCGAAAATCGGAATCT-3'
Protein context (NP_001035232.1, residues 498-518): EKELKNRRKK[Lys508Asn]KQKEQSGEEE

ClinVar aggregate classification (germline): Uncertain significance (1 of 4 stars; one submission).

Conditions:
Developmental and epileptic encephalopathy, 11 (DEE11). Also called: Early infantile epileptic encephalopathy 11. Identifiers: Orphanet 1934, MedGen C3150987, MONDO:0013388, OMIM 613721.
Seizures, benign familial infantile, 3 (BFIS3). Also called: CONVULSIONS, BENIGN FAMILIAL INFANTILE, 3; Familial neonatal seizures. Identifiers: Orphanet 140927, Orphanet 306, MedGen C1843140, MONDO:0011904, OMIM 607745.

Submission:

Labcorp Genetics (formerly Invitae), Labcorp
Classification: Uncertain significance for Seizures, benign familial infantile, 3; Developmental and epileptic encephalopathy, 11. Last evaluated: 2021-09-15. Review status: criteria provided, single submitter. Criteria: Invitae Variant Classification Sherloc (09022015). Collection method: clinical testing. Allele origin: germline.
Comment: This sequence change replaces lysine with asparagine at codon 508 of the SCN2A protein (p.Lys508Asn). The lysine residue is moderately conserved and there is a moderate physicochemical difference between lysine and asparagine. This variant is not present in population databases (ExAC no frequency). In summary, the available evidence is currently insufficient to determine the role of this variant in disease. Therefore, it has been classified as a Variant of Uncertain Significance. Algorithms developed to predict the effect of missense changes on protein structure and function are either unavailable or do not agree on the potential impact of this missense change (SIFT: "Deleterious"; PolyPhen-2: "Benign"; Align-GVGD: "Class C0"). This variant has not been reported in the literature in individuals affected with SCN2A-related conditions.